The following is an entry in ClinVar:

ClinVar aggregate classification (germline): Uncertain significance (1 of 4 stars; one submission).

Conditions:
Leber congenital amaurosis 1 (LCA1). Also called: Congenital absence of the rods and cones; Leber's congenital tapetoretinal degeneration; Leber's congenital tapetoretinal dysplasia; AMAUROSIS CONGENITA OF LEBER I; RETINAL BLINDNESS, CONGENITAL. Identifiers: Orphanet 65, MedGen C2931258, MONDO:0008764, OMIM 204000.
Cone-rod dystrophy 6 (CORD6). Also called: Cone dystrophy progressive; RETINAL CONE DYSTROPHY 2. Identifiers: Orphanet 1872, MedGen C1866293, MONDO:0011143, OMIM 601777.

Submission:

Labcorp Genetics (formerly Invitae), Labcorp
Classification: Uncertain significance for Leber congenital amaurosis 1; Cone-rod dystrophy 6. Last evaluated: 2022-04-08. Review status: criteria provided, single submitter. Criteria: Invitae Variant Classification Sherloc (09022015). Collection method: clinical testing. Allele origin: germline.
Comment: This sequence change replaces glycine, which is neutral and non-polar, with valine, which is neutral and non-polar, at codon 961 of the GUCY2D protein (p.Gly961Val). This variant is not present in population databases (gnomAD no frequency). This variant has not been reported in the literature in individuals affected with GUCY2D-related conditions. Algorithms developed to predict the effect of missense changes on protein structure and function (SIFT, PolyPhen-2, Align-GVGD) all suggest that this variant is likely to be disruptive. In summary, the available evidence is currently insufficient to determine the role of this variant in disease. Therefore, it has been classified as a Variant of Uncertain Significance.

NM_000180.4(GUCY2D):c.2882G>T (p.Gly961Val)

Gene: GUCY2D (guanylate cyclase 2D, retinal; plus strand). Cytogenetic location: 17p13.1.
Variant type: single nucleotide variant.
Coding change: c.2882G>T on transcript NM_000180.4 (MANE Select); coding-DNA position 2882, G replaced by T.
Protein change: p.Gly961Val; replaces glycine 961 with valine.
Molecular consequence: missense variant.
Genome position (GRCh38, 1-based): chr17:8,015,440, G>T. VCF-style: chr17-8015440-G-T. GRCh37 (hg19) VCF-style: chr17-7918758-G-T.
Other names: short protein forms G961V.
Identifiers: ClinVar variation 2123029 (VCV002123029.4), dbSNP rs1442036010, ClinGen allele CA397954745.